The following is an entry in ClinVar:

NM_017799.4(TMEM260):c.1869+1G>A

Gene: TMEM260 (transmembrane protein 260; plus strand). Cytogenetic location: 14q22.3.
Variant type: single nucleotide variant.
Coding change: c.1869+1G>A on transcript NM_017799.4 (MANE Select); the canonical splice donor site of the intron after coding-DNA position 1869, G replaced by A.
Molecular consequence: splice donor variant.
Genome position (GRCh38, 1-based): chr14:56,636,599, G>A. VCF-style: chr14-56636599-G-A. GRCh37 (hg19) VCF-style: chr14-57103317-G-A.
Identifiers: ClinVar variation 1202619 (VCV001202619.4), dbSNP rs141599092, ClinGen allele CA7200273.
Genomic context (GRCh38, chr14:56,636,599, plus strand): 5'-GCAGAAACTGCTCACATGCCTTCAAAAGTGAAAGCTCAACTCTACGCTCAAGCATATGAC[G>A]TATGTTACACTTTTATATGTAGATATAGATATATTTGGTGGGAAGGTGATGGTGATTGTT-3'

ClinVar aggregate classification (germline): Conflicting classifications of pathogenicity. Review status: criteria provided, conflicting classifications (1 of 4 stars). 3 submissions from 3 submitters: Likely pathogenic (1); Uncertain significance (2). Last evaluated 2023-12-23.

Conditions:
Structural heart defects and renal anomalies syndrome (SHDRA). Identifiers: Orphanet 689822, MedGen C4479549, MONDO:0044321, OMIM 617478.

Allele frequency attached by ClinVar (database versions not stated): ExAC 0.00003; gnomAD exomes 0.00003; 1000 Genomes Project 30x 0.00031; 1000 Genomes Project 0.00040.
gnomAD v4.1: 53 of 1,612,814 alleles (0.0033%); highest among the groups gnomAD compares: African/African-American, 0.011%; no homozygotes.

Submissions (3):

Revvity Omics, Revvity
Classification: Uncertain significance for Structural heart defects and renal anomalies syndrome. Last evaluated: 2023-12-23. Review status: criteria provided, single submitter. Criteria: ACMG Guidelines, 2015. Collection method: clinical testing. Allele origin: germline.

HudsonAlpha Institute for Biotechnology
Classification: Likely pathogenic for Structural heart defects and renal anomalies syndrome. Last evaluated: 2021-07-06. Review status: criteria provided, single submitter. Criteria: ACMG Guidelines, 2015. Collection method: research. Allele origin: unknown. Affected: yes. Observed: 1 compound heterozygote. Study: CSER-SouthSeq.
Comment: ACMG codes: PVS1; PM2

Juno Genomics, Hangzhou Juno Genomics, Inc
Classification: Uncertain significance for Structural heart defects and renal anomalies syndrome. Review status: criteria provided, single submitter. Criteria: ACMG Guidelines, 2015. Collection method: clinical testing. Allele origin: germline.
Comment: Null variant in a gene where loss of function (LOF) is a known mechanism of disease.;Absent from controls (or at extremely low frequency if recessive) in Genome Aggregation Database.